The following is an entry in ClinVar:

ClinVar aggregate classification (germline): Pathogenic (1 of 4 stars; one submission).

Conditions:
Sulfite oxidase deficiency. Also called: Isolated sulfite oxidase deficiency. Identifiers: Orphanet 833, Orphanet 99731, MedGen C0268624, MONDO:0010089, OMIM 272300, HP:0003643.

Submission:

Labcorp Genetics (formerly Invitae), Labcorp
Classification: Pathogenic for Sulfite oxidase deficiency. Last evaluated: 2023-09-25. Review status: criteria provided, single submitter. Criteria: Invitae Variant Classification Sherloc (09022015). Collection method: clinical testing. Allele origin: germline.
Comment: This sequence change creates a premature translational stop signal (p.Trp488*) in the SUOX gene. While this is not anticipated to result in nonsense mediated decay, it is expected to disrupt the last 58 amino acid(s) of the SUOX protein. This variant is not present in population databases (gnomAD no frequency). This variant has not been reported in the literature in individuals affected with SUOX-related conditions. This variant disrupts a region of the SUOX protein in which other variant(s) (p.Arg529*) have been determined to be pathogenic (PMID: 17940249, 28980090). This suggests that this is a clinically significant region of the protein, and that variants that disrupt it are likely to be disease-causing. For these reasons, this variant has been classified as Pathogenic.

Literature cited by the submitters: PubMed 17940249; PubMed 28980090.

NM_001032386.2(SUOX):c.1464G>A (p.Trp488Ter)

Gene: SUOX (sulfite oxidase; plus strand). Cytogenetic location: 12q13.2.
Variant type: single nucleotide variant.
Coding change: c.1464G>A on transcript NM_001032386.2 (MANE Select); coding-DNA position 1464, G replaced by A.
Protein change: p.Trp488Ter; replaces tryptophan 488 with a stop codon.
Molecular consequence: nonsense.
Genome position (GRCh38, 1-based): chr12:56,004,853, G>A. VCF-style: chr12-56004853-G-A. GRCh37 (hg19) VCF-style: chr12-56398637-G-A.
Other names: c.1464G>A, p.Trp488Ter (NM_000456.3, NM_001032387.2); short protein forms W488*.
Identifiers: ClinVar variation 2763256 (VCV002763256.3), dbSNP rs2540577903, ClinGen allele CA385297064.